The following is an entry in ClinVar:

ClinVar aggregate classification (germline): Uncertain significance (1 of 4 stars; one submission).

Allele frequency attached by ClinVar (database versions not stated): gnomAD exomes below 0.00001; TOPMed 0.00001.

Submission:

Labcorp Genetics (formerly Invitae), Labcorp
Classification: Uncertain significance. Last evaluated: 2025-12-09. Review status: criteria provided, single submitter. Criteria: Invitae Variant Classification Sherloc (09022015). Collection method: clinical testing. Allele origin: germline.
Comment: This sequence change replaces proline, which is neutral and non-polar, with serine, which is neutral and polar, at codon 936 of the ALPK3 protein (p.Pro936Ser). This variant is present in population databases (no rsID available, gnomAD 0.007%). This variant has not been reported in the literature in individuals affected with ALPK3-related conditions. ClinVar contains an entry for this variant (Variation ID: 1491554). Invitae Evidence Modeling of protein sequence and biophysical properties (such as structural, functional, and spatial information, amino acid conservation, physicochemical variation, residue mobility, and thermodynamic stability) indicates that this missense variant is not expected to disrupt ALPK3 protein function with a negative predictive value of 80%. In summary, the available evidence is currently insufficient to determine the role of this variant in disease. Therefore, it has been classified as a Variant of Uncertain Significance.

NM_020778.5(ALPK3):c.2200C>T (p.Pro734Ser)

Gene: ALPK3 (alpha kinase 3; plus strand). Cytogenetic location: 15q25.3.
Variant type: single nucleotide variant.
Coding change: c.2200C>T on transcript NM_020778.5 (MANE Select); coding-DNA position 2200, C replaced by T.
Protein change: p.Pro734Ser; replaces proline 734 with serine.
Molecular consequence: missense variant.
Genome position (GRCh38, 1-based): chr15:84,856,938, C>T. VCF-style: chr15-84856938-C-T. GRCh37 (hg19) VCF-style: chr15-85400169-C-T.
Other names: short protein forms P734S.
Identifiers: ClinVar variation 1491554 (VCV001491554.8), dbSNP rs1295230054, ClinGen allele CA393356306.